The following is an entry in ClinVar:

ClinVar aggregate classification (germline): Uncertain significance (1 of 4 stars; one submission).

Submission:

Ambry Genetics
Classification: Uncertain significance. Last evaluated: 2024-10-28. Review status: criteria provided, single submitter. Criteria: Ambry Variant Classification Scheme 2023. Collection method: clinical testing. Allele origin: germline.
Comment: The p.A1148V variant (also known as c.3443C>T), located in coding exon 29 of the PRKDC gene, results from a C to T substitution at nucleotide position 3443. The alanine at codon 1148 is replaced by valine, an amino acid with similar properties. This amino acid position is conserved. In addition, this alteration is predicted to be tolerated by in silico analysis. Based on the available evidence, the clinical significance of this variant remains unclear.

NM_006904.7(PRKDC):c.3443C>T (p.Ala1148Val)

Gene: PRKDC (protein kinase, DNA-activated, catalytic subunit; minus strand). Cytogenetic location: 8q11.21.
Variant type: single nucleotide variant.
Coding change: c.3443C>T on transcript NM_006904.7 (MANE Select); coding-DNA position 3443, C replaced by T.
Protein change: p.Ala1148Val; replaces alanine 1148 with valine.
Molecular consequence: missense variant.
Genome position (GRCh38, 1-based): chr8:47,898,491, G>A on the plus strand (C>T on the coding strand, the complement: PRKDC is on the minus strand). VCF-style: chr8-47898491-G-A. GRCh37 (hg19) VCF-style: chr8-48811051-G-A.
Other names: c.3443C>T, p.Ala1148Val (NM_001081640.2); short protein forms A1148V.
Identifiers: ClinVar variation 3425375 (VCV003425375.1).